The following is an entry in ClinVar:

NM_001002295.2(GATA3):c.35_36del (p.Ser12fs)

Gene: GATA3 (GATA binding protein 3; plus strand). Cytogenetic location: 10p14.
Variant type: Deletion.
Coding change: c.35_36del on transcript NM_001002295.2 (MANE Select); coding-DNA positions 35 to 36, 2 bases deleted (GC; older notation c.35_36delGC).
Protein change: p.Ser12fs; shifts the reading frame from serine 12.
Molecular consequence: frameshift variant.
Genome position (GRCh38, 1-based): chr10:8,055,690-8,055,691, GC deleted. VCF-style (leftmost placement, unchanged base first): chr10-8055689-AGC-A. GRCh37 (hg19) VCF-style: chr10-8097652-AGC-A.
Other names: c.35_36del, p.Ser12fs (NM_002051.3); short protein forms S12fs.
Identifiers: ClinVar variation 3384133 (VCV003384133.1).

ClinVar aggregate classification (germline): Likely pathogenic (1 of 4 stars; one submission).

Conditions:
Hypoparathyroidism, deafness, renal disease syndrome (HDRS). Also called: HYPOPARATHYROIDISM, SENSORINEURAL DEAFNESS, AND RENAL DYSPLASIA SYNDROME. Identifiers: Orphanet 2237, MedGen C1840333, MONDO:0007797, OMIM 146255.

Submission:

Dubai Health Genomic Medicine Center, Dubai Health
Classification: Likely pathogenic for Hypoparathyroidism, deafness, renal disease syndrome. Last evaluated: 2024-10-04. Review status: criteria provided, single submitter. Criteria: ACMG Guidelines, 2015. Collection method: research. Allele origin: germline. Affected: yes.
Comment: PVS1,PM2